The following is an entry in ClinVar:

ClinVar aggregate classification (germline): Uncertain significance (1 of 4 stars; one submission).

Conditions:
Deficiency of aromatic-L-amino-acid decarboxylase. Also called: Aromatic L-Amino Acid Decarboxylase Deficiency; Aromatic amino acid decarboxylase deficiency; AADC DEFICIENCY; DDC DEFICIENCY; DOPA DECARBOXYLASE DEFICIENCY. Identifiers: Orphanet 35708, MedGen C1291564, MONDO:0012084, OMIM 608643.

gnomAD v4.1: 1 of 1,613,052 alleles (0.000062%); highest among the groups gnomAD compares: Non-Finnish European, 0.000085%; no homozygotes.

Submission:

Labcorp Genetics (formerly Invitae), Labcorp
Classification: Uncertain significance for Deficiency of aromatic-L-amino-acid decarboxylase. Last evaluated: 2025-09-16. Review status: criteria provided, single submitter. Criteria: Invitae Variant Classification Sherloc (09022015). Collection method: clinical testing. Allele origin: germline.
Comment: This sequence change replaces glutamine, which is neutral and polar, with arginine, which is basic and polar, at codon 190 of the DDC protein (p.Gln190Arg). This variant is not present in population databases (gnomAD no frequency). This variant has not been reported in the literature in individuals affected with DDC-related conditions. An algorithm developed to predict the effect of missense changes on protein structure and function (PolyPhen-2) suggests that this variant is likely to be disruptive. In summary, the available evidence is currently insufficient to determine the role of this variant in disease. Therefore, it has been classified as a Variant of Uncertain Significance.

NM_001082971.2(DDC):c.569A>G (p.Gln190Arg)

Gene: DDC (dopa decarboxylase; minus strand). Cytogenetic location: 7p12.1.
Variant type: single nucleotide variant.
Coding change: c.569A>G on transcript NM_001082971.2 (MANE Select); coding-DNA position 569, A replaced by G.
Protein change: p.Gln190Arg; replaces glutamine 190 with arginine.
Molecular consequence: missense variant. On other transcripts: intron variant (1).
Genome position (GRCh38, 1-based): chr7:50,529,209, T>C on the plus strand (A>G on the coding strand, the complement: DDC is on the minus strand). VCF-style: chr7-50529209-T-C. GRCh37 (hg19) VCF-style: chr7-50596907-T-C.
Other names: c.569A>G, p.Gln190Arg (NM_000790.4, NM_001242887.2, NM_001242890.2); c.455A>G, p.Gln152Arg (NM_001242886.2); c.335A>G, p.Gln112Arg (NM_001242888.2); c.435+8651A>G (NM_001242889.2); short protein forms Q112R, Q190R, Q152R.
Identifiers: ClinVar variation 4774064 (VCV004774064.1).